The following is an entry in ClinVar:

ClinVar aggregate classification (germline): Uncertain significance (1 of 4 stars; one submission).

Submission:

Labcorp Genetics (formerly Invitae), Labcorp
Classification: Uncertain significance. Last evaluated: 2025-07-29. Review status: criteria provided, single submitter. Criteria: Invitae Variant Classification Sherloc (09022015). Collection method: clinical testing. Allele origin: germline.
Comment: This sequence change replaces glutamine, which is neutral and polar, with glutamic acid, which is acidic and polar, at codon 1690 of the COL11A2 protein (p.Gln1690Glu). This variant is not present in population databases (gnomAD no frequency). This variant has not been reported in the literature in individuals affected with COL11A2-related conditions. Experimental studies and prediction algorithms are not available or were not evaluated, and the functional significance of this variant is currently unknown. In summary, the available evidence is currently insufficient to determine the role of this variant in disease. Therefore, it has been classified as a Variant of Uncertain Significance.

NM_080680.3(COL11A2):c.5068C>G (p.Gln1690Glu)

Gene: COL11A2 (collagen type XI alpha 2 chain; minus strand). Cytogenetic location: 6p21.32.
Variant type: single nucleotide variant.
Coding change: c.5068C>G on transcript NM_080680.3 (MANE Select); coding-DNA position 5068, C replaced by G.
Protein change: p.Gln1690Glu; replaces glutamine 1690 with glutamic acid.
Molecular consequence: missense variant.
Genome position (GRCh38, 1-based): chr6:33,164,269, G>C on the plus strand (C>G on the coding strand, the complement: COL11A2 is on the minus strand). VCF-style: chr6-33164269-G-C. GRCh37 (hg19) VCF-style: chr6-33132046-G-C.
Other names: c.4888C>G, p.Gln1630Glu (NM_001424108.1); c.4222C>G, p.Gln1408Glu (NM_001424109.1); c.4042C>G, p.Gln1348Glu (NM_001424110.1, NM_001424111.1); c.3022C>G, p.Gln1008Glu (NM_001424112.1); c.4747C>G, p.Gln1583Glu (NM_080679.3); c.4810C>G, p.Gln1604Glu (NM_080681.3); short protein forms Q1008E, Q1583E, Q1690E, Q1348E, Q1604E, Q1630E, Q1408E.
Identifiers: ClinVar variation 4724252 (VCV004724252.1).